The following is an entry in ClinVar:

NM_001042646.3(TRAK1):c.33C>G (p.Val11=)

Gene: TRAK1 (trafficking kinesin protein 1; plus strand). Cytogenetic location: 3p22.1.
Variant type: single nucleotide variant.
Coding change: c.33C>G on transcript NM_001042646.3 (MANE Select); coding-DNA position 33, C replaced by G.
Protein change: p.Val11=; no amino-acid change (valine 11 retained).
Molecular consequence: synonymous variant. On other transcripts: intron variant (1).
Genome position (GRCh38, 1-based): chr3:42,091,502, C>G. VCF-style: chr3-42091502-C-G. GRCh37 (hg19) VCF-style: chr3-42132994-C-G.
Other names: c.33C>G, p.Val11= (NM_001265608.2, NM_001349246.2, NM_001349247.2); c.-222+4102C>G (NM_001349245.1).
Identifiers: ClinVar variation 734589 (VCV000734589.11), dbSNP rs201790561, ClinGen allele CA2332896.

ClinVar aggregate classification (germline): Likely benign. Review status: criteria provided, multiple submitters, no conflicts (2 of 4 stars). 4 submissions from 4 submitters: Likely benign (3). 1 of the submissions does not count toward it. Last evaluated 2024-12-17.

Conditions:
TRAK1-related disorder. Also called: TRAK1-related condition.

Allele frequency attached by ClinVar (database versions not stated): gnomAD exomes 0.00009 and 0.00016; ExAC 0.00023; ESP Exome Variant Server 0.00067; gnomAD 0.00072 and 0.00073; TOPMed 0.00078; 1000 Genomes Project 30x 0.00109; 1000 Genomes Project 0.00120.
gnomAD v4.1: 256 of 1,613,552 alleles (0.016%); highest among the groups gnomAD compares: African/African-American, 0.29%; 1 homozygote.

Submissions (4):

Women's Health and Genetics/Laboratory Corporation of America, LabCorp
Classification: Likely benign. Last evaluated: 2024-12-17. Review status: criteria provided, single submitter. Criteria: LabCorp Variant Classification Summary - May 2015. Collection method: clinical testing. Allele origin: germline.

Blueprint Genetics
Classification: Likely benign. Last evaluated: 2024-10-08. Review status: criteria provided, single submitter. Criteria: ACMG Guidelines, 2015. Collection method: clinical testing. Allele origin: germline.

Labcorp Genetics (formerly Invitae), Labcorp
Classification: Likely benign. Last evaluated: 2024-08-30. Review status: criteria provided, single submitter. Criteria: Invitae Variant Classification Sherloc (09022015). Collection method: clinical testing. Allele origin: germline.

PreventionGenetics, part of Exact Sciences
Classification: Likely benign for TRAK1-related condition. Last evaluated: 2022-05-31. Review status: no assertion criteria provided. Collection method: clinical testing. Allele origin: germline. Not counted in ClinVar's aggregate classification.
Comment: This variant is classified as likely benign based on ACMG/AMP sequence variant interpretation guidelines (Richards et al. 2015 PMID: 25741868, with internal and published modifications).